The following is an entry in ClinVar:

NM_014425.5(INVS):c.766C>T (p.Arg256Ter)

Gene: INVS (inversin; plus strand). Cytogenetic location: 9q31.1.
Variant type: single nucleotide variant.
Coding change: c.766C>T on transcript NM_014425.5 (MANE Select); coding-DNA position 766, C replaced by T.
Protein change: p.Arg256Ter; replaces arginine 256 with a stop codon.
Molecular consequence: nonsense. On other transcripts: 5 prime UTR variant (1), non-coding transcript variant (1).
Genome position (GRCh38, 1-based): chr9:100,240,210, C>T. VCF-style: chr9-100240210-C-T. GRCh37 (hg19) VCF-style: chr9-103002492-C-T.
Other names: c.478C>T, p.Arg160Ter (NM_001318381.2); c.-224C>T (NM_001318382.2); short protein forms R160*, R256*.
Identifiers: ClinVar variation 2900307 (VCV002900307.4), dbSNP rs1369878554, ClinGen allele CA374361788.

ClinVar aggregate classification (germline): Pathogenic/Likely pathogenic. Review status: criteria provided, multiple submitters, no conflicts (2 of 4 stars). 2 submissions from 2 submitters: Pathogenic (1); Likely pathogenic (1). Last evaluated 2023-07-18.

Conditions:
Infantile nephronophthisis (NPHP2). Also called: Nephronophthisis 2, infantile; Nephronophthisis 2. Identifiers: Orphanet 655, Orphanet 93591, MedGen C1865872, MONDO:0011190, OMIM 602088.
Nephronophthisis. Also called: Juvenile Nephronophthisis. Identifiers: Orphanet 655, MedGen C0687120, MONDO:0019005, HP:0000090.

Allele frequency attached by ClinVar (database versions not stated): TOPMed below 0.00001; gnomAD exomes 0.00001.
gnomAD v4.1: 8 of 1,613,920 alleles (0.0005%); highest among the groups gnomAD compares: East Asian, 0.0022%; no homozygotes.

Submissions (2):

Department of Pathology and Laboratory Medicine, Sinai Health System
Classification: Likely pathogenic for Infantile nephronophthisis. Last evaluated: 2023-07-18. Review status: criteria provided, single submitter. Criteria: ACMG Guidelines, 2015. Collection method: research. Allele origin: germline.

Labcorp Genetics (formerly Invitae), Labcorp
Classification: Pathogenic for Nephronophthisis. Last evaluated: 2023-01-19. Review status: criteria provided, single submitter. Criteria: Invitae Variant Classification Sherloc (09022015). Collection method: clinical testing. Allele origin: germline.
Comment: For these reasons, this variant has been classified as Pathogenic. Algorithms developed to predict the effect of sequence changes on RNA splicing suggest that this variant may disrupt the consensus splice site. This variant has not been reported in the literature in individuals affected with INVS-related conditions. This variant is present in population databases (no rsID available, gnomAD 0.006%). This sequence change creates a premature translational stop signal (p.Arg256*) in the INVS gene. It is expected to result in an absent or disrupted protein product. Loss-of-function variants in INVS are known to be pathogenic (PMID: 12872123).

Literature cited by the submitters: PubMed 12872123 (cited by Labcorp Genetics (formerly Invitae), Labcorp).